The following is an entry in ClinVar:

NM_030943.4(AMN):c.62C>T (p.Ser21Phe)

Gene: AMN (amnion associated transmembrane protein; plus strand). Cytogenetic location: 14q32.32.
Variant type: single nucleotide variant.
Coding change: c.62C>T on transcript NM_030943.4 (MANE Select); coding-DNA position 62, C replaced by T.
Protein change: p.Ser21Phe; replaces serine 21 with phenylalanine.
Molecular consequence: missense variant.
Genome position (GRCh38, 1-based): chr14:102,923,729, C>T. VCF-style: chr14-102923729-C-T. GRCh37 (hg19) VCF-style: chr14-103390066-C-T.
Other names: short protein forms S21F.
Identifiers: ClinVar variation 2417939 (VCV002417939.5), dbSNP rs202122792, ClinGen allele CA7359720.

ClinVar aggregate classification (germline): Uncertain significance. Review status: criteria provided, multiple submitters, no conflicts (2 of 4 stars). 3 submissions from 3 submitters: Uncertain significance (3). Last evaluated 2025-08-11.

Conditions:
Imerslund-Grasbeck syndrome type 2. Also called: Megaloblastic anemia 1, Norwegian type; MEGALOBLASTIC ANEMIA, NORWEGIAN TYPE; Imerslund-Gräsbeck syndrome 2. Identifiers: MedGen C4016948, MONDO:0100157, OMIM 618882.
Imerslund-Grasbeck syndrome. Also called: Imerslund-Gräsbeck syndrome; ENTEROCYTE COBALAMIN MALABSORPTION; ENTEROCYTE INTRINSIC FACTOR RECEPTOR, DEFECT OF; PERNICIOUS ANEMIA, JUVENILE, DUE TO SELECTIVE INTESTINAL MALABSORPTION OF VITAMIN B12, WITH PROTEINURIA; Megaloblastic anemia due to inborn errors of metabolism. Identifiers: Orphanet 35858, MedGen C4551825, MONDO:0009853.
Inborn genetic diseases. Identifiers: MedGen C0950123, MeSH D030342.

Allele frequency attached by ClinVar (database versions not stated): gnomAD exomes 0.00001; ExAC 0.00002; gnomAD 0.00016; 1000 Genomes Project 30x 0.00031; TOPMed 0.00038; 1000 Genomes Project 0.00040.
gnomAD v4.1: 51 of 1,612,808 alleles (0.0032%); highest among the groups gnomAD compares: Admixed American, 0.065%; no homozygotes.

Submissions (3):

Ambry Genetics
Classification: Uncertain significance for Inborn genetic diseases. Last evaluated: 2025-08-11. Review status: criteria provided, single submitter. Criteria: Ambry Variant Classification Scheme 2023. Collection method: clinical testing. Allele origin: germline.

Fulgent Genetics
Classification: Uncertain significance for Imerslund-Grasbeck syndrome type 2. Last evaluated: 2024-05-16. Review status: criteria provided, single submitter. Criteria: ACMG Guidelines, 2015. Collection method: clinical testing. Allele origin: germline.

Labcorp Genetics (formerly Invitae), Labcorp
Classification: Uncertain significance for Imerslund-Grasbeck syndrome. Last evaluated: 2022-05-15. Review status: criteria provided, single submitter. Criteria: Invitae Variant Classification Sherloc (09022015). Collection method: clinical testing. Allele origin: germline.
Comment: This sequence change replaces serine, which is neutral and polar, with phenylalanine, which is neutral and non-polar, at codon 21 of the AMN protein (p.Ser21Phe). This variant is present in population databases (rs202122792, gnomAD 0.02%). This variant has not been reported in the literature in individuals affected with AMN-related conditions. Algorithms developed to predict the effect of missense changes on protein structure and function (SIFT, PolyPhen-2, Align-GVGD) all suggest that this variant is likely to be tolerated. In summary, the available evidence is currently insufficient to determine the role of this variant in disease. Therefore, it has been classified as a Variant of Uncertain Significance.